The following is an entry in ClinVar:

ClinVar aggregate classification (germline): Pathogenic/Likely pathogenic. Review status: criteria provided, multiple submitters, no conflicts (2 of 4 stars). 4 submissions from 4 submitters: Pathogenic (3); Likely pathogenic (1). Last evaluated 2025-05-13.

Conditions:
Renal tubular acidosis with progressive nerve deafness. Also called: Distal Renal Tubular Acidosis with Progressive Sensorineural Deafness; RENAL TUBULAR ACIDOSIS, AUTOSOMAL RECESSIVE, WITH PROGRESSIVE NERVE DEAFNESS; RTA WITH PROGRESSIVE NERVE DEAFNESS; renal tubular acidosis, distal, 2, with progressive sensorineural hearing loss. Identifiers: MedGen C0403554, MONDO:0009968, OMIM 267300.

Submissions (4):

Myriad Genetics, Inc.
Classification: Pathogenic for Renal tubular acidosis with progressive nerve deafness. Last evaluated: 2025-05-13. Review status: criteria provided, single submitter. Criteria: Myriad Autosomal Dominant, Autosomal Recessive and X-Linked Classification Criteria (2023). Collection method: clinical testing. Allele origin: unknown.
Comment: NM_001692.3(ATP6V1B1):c.27_28delTGinsC(L12Sfs*8) is a frameshift variant classified as pathogenic in the context of distal renal tubular acidosis with deafness, ATP6V1B1-related. L12Sfs*8 has not been observed in cases with relevant disease. Relevant functional assessments of this variant are not available in the literature. L12Sfs*8 has not been observed in referenced population frequency databases. In summary, NM_001692.3(ATP6V1B1):c.27_28delTGinsC(L12Sfs*8) is a frameshift variant in a gene where loss of function is a known mechanism of disease and is predicted to disrupt protein function. Please note: this variant was assessed in the context of healthy population screening.

Fulgent Genetics
Classification: Likely pathogenic for Renal tubular acidosis with progressive nerve deafness. Last evaluated: 2024-03-25. Review status: criteria provided, single submitter. Criteria: ACMG Guidelines, 2015. Collection method: clinical testing. Allele origin: germline.

Revvity Omics, Revvity
Classification: Pathogenic for Renal tubular acidosis with progressive nerve deafness. Last evaluated: 2020-08-21. Review status: criteria provided, single submitter. Criteria: ACMG Guidelines, 2015. Collection method: clinical testing. Allele origin: germline.

Labcorp Genetics (formerly Invitae), Labcorp
Classification: Pathogenic. Last evaluated: 2019-11-22. Review status: criteria provided, single submitter. Criteria: Invitae Variant Classification Sherloc (09022015). Collection method: clinical testing. Allele origin: germline.
Comment: For these reasons, this variant has been classified as Pathogenic. Loss-of-function variants in ATP6V1B1 are known to be pathogenic (PMID: 9916796, 18368028). This frameshift change has been observed in individual(s) with distal renal tubular acidosis (PMID: 23729491). This variant is present in population databases (rs782052865, ExAC 0.006%). This sequence change creates a premature translational stop signal (p.Leu12Serfs*8) in the ATP6V1B1 gene. It is expected to result in an absent or disrupted protein product.

Literature cited by the submitters: PubMed 9916796 (cited by Labcorp Genetics (formerly Invitae), Labcorp); PubMed 18368028 (cited by Labcorp Genetics (formerly Invitae), Labcorp); PubMed 23729491 (cited by Labcorp Genetics (formerly Invitae), Labcorp).

NM_001692.4(ATP6V1B1):c.27_28delinsC (p.Leu12fs)

Gene: ATP6V1B1 (ATPase H+ transporting V1 subunit B1; plus strand). Cytogenetic location: 2p13.3.
Variant type: Indel.
Coding change: c.27_28delinsC on transcript NM_001692.4 (MANE Select); coding-DNA positions 27 to 28, TG replaced by C.
Protein change: p.Leu12fs; shifts the reading frame from leucine 12.
Molecular consequence: frameshift variant.
Genome position (GRCh38, 1-based): chr2:70,935,981-70,935,982, TG replaced by C. VCF-style: chr2-70935981-TG-C. GRCh37 (hg19) VCF-style: chr2-71163111-TG-C.
Other names: short protein forms L12fs.
Identifiers: ClinVar variation 966396 (VCV000966396.11), dbSNP rs1679840658, ClinGen allele CA1139657065.